The following is an entry in ClinVar:

NM_000179.3(MSH6):c.1483C>A (p.Arg495=)

Gene: MSH6 (mutS homolog 6; plus strand). Cytogenetic location: 2p16.3.
Variant type: single nucleotide variant.
Coding change: c.1483C>A on transcript NM_000179.3 (MANE Select); coding-DNA position 1483, C replaced by A.
Protein change: p.Arg495=; no amino-acid change (arginine 495 retained).
Molecular consequence: synonymous variant.
Genome position (GRCh38, 1-based): chr2:47,799,466, C>A. VCF-style: chr2-47799466-C-A. GRCh37 (hg19) VCF-style: chr2-48026605-C-A.
Other names: c.1093C>A, p.Arg365= (NM_001281492.2); c.577C>A, p.Arg193= (NM_001281493.2, NM_001281494.2).
Identifiers: ClinVar variation 479939 (VCV000479939.16), dbSNP rs587779212, ClinGen allele CA426121127.

ClinVar aggregate classification (germline): Benign/Likely benign. Review status: criteria provided, multiple submitters, no conflicts (2 of 4 stars). 3 submissions from 3 submitters: Benign (1); Likely benign (2). Last evaluated 2025-08-14.

Conditions:
Hereditary cancer-predisposing syndrome. Also called: Hereditary Cancer Syndrome; Neoplastic Syndromes, Hereditary; Tumor predisposition; Hereditary neoplastic syndrome. Identifiers: Orphanet 140162, MedGen C0027672, MeSH D009386, MONDO:0015356.
Lynch syndrome 5 (LYNCH5). Also called: Colorectal cancer, hereditary nonpolyposis, type 5; Hereditary non-polyposis colorectal cancer, type 5. Identifiers: Orphanet 144, MedGen C1833477, MONDO:0013710, OMIM 614350. Disease mechanism: loss of function.
Hereditary nonpolyposis colorectal neoplasms. Identifiers: MedGen C0009405, MeSH D003123.

Submissions (3):

Labcorp Genetics (formerly Invitae), Labcorp
Classification: Likely benign for Hereditary nonpolyposis colorectal neoplasms. Last evaluated: 2025-08-14. Review status: criteria provided, single submitter. Criteria: Invitae Variant Classification Sherloc (09022015). Collection method: clinical testing. Allele origin: germline.

Myriad Genetics, Inc.
Classification: Benign for Lynch syndrome 5. Last evaluated: 2024-12-26. Review status: criteria provided, single submitter. Criteria: Myriad Autosomal Dominant, Autosomal Recessive and X-Linked Classification Criteria (2023). Collection method: clinical testing. Allele origin: unknown.
Comment: This variant is considered benign. This variant is a silent/synonymous amino acid change and it is not expected to impact splicing.

Ambry Genetics
Classification: Likely benign for Hereditary cancer-predisposing syndrome. Last evaluated: 2016-11-19. Review status: criteria provided, single submitter. Criteria: Ambry Variant Classification Scheme 2023. Collection method: clinical testing. Allele origin: germline.